The following is an entry in ClinVar:

NM_000094.4(COL7A1):c.3474del (p.Gly1159_Val1160insTer)

Gene: COL7A1 (collagen type VII alpha 1 chain; minus strand). Cytogenetic location: 3p21.31.
Variant type: Deletion.
Coding change: c.3474del on transcript NM_000094.4 (MANE Select); coding-DNA position 3474, one base deleted (A; older notation c.3474delA).
Protein change: p.Gly1159_Val1160insTer.
Molecular consequence: frameshift variant. On other transcripts: nonsense (1).
Genome position (GRCh38, 1-based): chr3:48,586,408, T deleted on the plus strand (A on the coding strand, the reverse complement: COL7A1 is on the minus strand). VCF-style (leftmost placement, unchanged base first): chr3-48586407-CT-C. GRCh37 (hg19) VCF-style: chr3-48623840-CT-C.
Other names: c.3474delA, p.Val1160Terfs (NM_000094.3).
Identifiers: ClinVar variation 3257728 (VCV003257728.5).

ClinVar aggregate classification (germline): Pathogenic/Likely pathogenic. Review status: criteria provided, multiple submitters, no conflicts (2 of 4 stars). 3 submissions from 3 submitters: Pathogenic (1); Likely pathogenic (1). 1 of the submissions does not count toward it. Last evaluated 2024-08-30.

Conditions:
Epidermolysis bullosa dystrophica. Also called: Dystrophic epidermolysis bullosa, Hallopeau-Siemens type (formerly); Dystrophic epidermolysis bullosa. Identifiers: Orphanet 303, MedGen C0079294, MONDO:0006543.
Nonsyndromic congenital nail disorder 8. Also called: TOENAIL DYSTROPHY, ISOLATED. Identifiers: MedGen C1843761, MONDO:0011852, OMIM 607523.
Recessive dystrophic epidermolysis bullosa (RDEB). Also called: DYSTROPHIC EPIDERMOLYSIS BULLOSA, AUTOSOMAL RECESSIVE; EPIDERMOLYSIS BULLOSA DYSTROPHICA, HALLOPEAU-SIEMENS TYPE; Hallopeau-Siemens Disease; Epidermolysis Bullosa Distrophica Autosomal Recessive (RDEB); severe generalized recessive dystrophic epidermolysis bullosa; EPIDERMOLYSIS BULLOSA DYSTROPHICA, GENERALIZED SEVERE, AUTOSOMAL RECESSIVE. Identifiers: Orphanet 79408, Orphanet 79409, MedGen C0079474, MONDO:0009179, OMIM 226600.
Dominant dystrophic epidermolysis bullosa with absence of skin. Also called: EPIDERMOLYSIS BULLOSA WITH CONGENITAL LOCALIZED ABSENCE OF SKIN AND DEFORMITY OF NAILS; EPIDERMOLYSIS BULLOSA DYSTROPHICA, BART TYPE. Identifiers: MedGen C0268371, MONDO:0007557, OMIM 132000.
Transient bullous dermolysis of the newborn (TBDN). Also called: DYSTROPHIC EPIDERMOLYSIS BULLOSA, NEONATAL; EPIDERMOLYSIS BULLOSA DYSTROPHICA, NEONATAL FORM. Identifiers: Orphanet 79411, MedGen C1851573, MONDO:0007548, OMIM 131705.
Generalized dominant dystrophic epidermolysis bullosa (DDEB). Also called: DDEB, generalized; DDEB-gen; DYSTROPHIC EPIDERMOLYSIS BULLOSA, AUTOSOMAL DOMINANT; Epidermolysis bullosa dystrophica, autosomal dominant; Dominant DEB (DDEB). Identifiers: Orphanet 231568, MedGen C0432322, MONDO:0007549, OMIM 131750.
Epidermolysis bullosa pruriginosa. Also called: DEB, PRURIGINOSA; DYSTROPHIC EPIDERMOLYSIS BULLOSA PRURIGINOSA. Identifiers: Orphanet 89843, MedGen C1275114, MONDO:0011398, OMIM 604129.
Pretibial dystrophic epidermolysis bullosa. Also called: EPIDERMOLYSIS BULLOSA DYSTROPHICA, PRETIBIAL; Pretibial epidermolysis bullosa; Pretibial blistering. Identifiers: Orphanet 79410, MedGen C0432321, MONDO:0007552, OMIM 131850, HP:0012221.

Submissions (3):

Natera, Inc.
Classification: Pathogenic for Dystrophic epidermolysis bullosa. Last evaluated: 2024-08-30. Review status: criteria provided, single submitter. Criteria: Natera Variant Classification Schema (03/2026). Collection method: clinical testing. Allele origin: germline.
Comment: The c.3474del variant in COL7A1 is a frameshift variant predicted to shift the reading frame and introduce a stop codon. This variant is expected to result in nonsense mediated decay, truncation, or a dysfunctional protein product. This variant is rare in the general population with a frequency below the threshold expected for the associated phenotype(s). This variant has been observed in one or more individuals affected with the associated recessive disease, as either homozygous or compound heterozygous with a second variant (PMID: 27899325). Given the available evidence, this variant is classified as Pathogenic.

Juno Genomics, Hangzhou Juno Genomics, Inc
Classification: Likely pathogenic for Transient bullous dermolysis of the newborn; Recessive dystrophic epidermolysis bullosa; Generalized dominant dystrophic epidermolysis bullosa; Dominant dystrophic epidermolysis bullosa with absence of skin; Nonsyndromic congenital nail disorder 8; Epidermolysis bullosa pruriginosa; Pretibial dystrophic epidermolysis bullosa. Review status: criteria provided, single submitter. Criteria: ACMG Guidelines, 2015. Collection method: clinical testing. Allele origin: germline.
Comment: Null variant in a gene where loss of function (LOF) is a known mechanism of disease.;Absent from controls (or at extremely low frequency if recessive) in Genome Aggregation Database.

Medical Genetics, Medical University Pleven
Classification: Likely pathogenic for Recessive dystrophic epidermolysis bullosa. Review status: no assertion criteria provided. Collection method: clinical testing. Allele origin: germline. Inheritance: Autosomal recessive inheritance. Affected: yes. Observed: 1 compound heterozygote. Not counted in ClinVar's aggregate classification.
Comment: c.3474del (Val1160Ter), classified as probably pathogenic, is a single nucleotide deletion that creates a stop codon at position 1160 in the amino acid chain (2944 amino acids in total), suggesting a very truncated and non-functional protein.

Literature cited by the submitters: PubMed 27899325 (cited by Natera, Inc.).